The following is an entry in ClinVar:

NC_000016.9:g.(?_2103333)_(2108884_?)dup

Gene: TSC2 (TSC complex subunit 2; plus strand). Cytogenetic location: 16p13.3.
Variant type: Duplication.
Identifiers: ClinVar variation 3243472 (VCV003243472.1).

ClinVar aggregate classification (germline): Uncertain significance (1 of 4 stars; one submission).

Conditions:
Tuberous sclerosis 2 (TSC2). Identifiers: Orphanet 805, MedGen C1860707, MONDO:0013199, OMIM 613254.

Submission:

Labcorp Genetics (formerly Invitae), Labcorp
Classification: Uncertain significance for Tuberous sclerosis 2. Last evaluated: 2023-06-27. Review status: criteria provided, single submitter. Criteria: Invitae Variant Classification Sherloc (09022015). Collection method: clinical testing. Allele origin: unknown.
Comment: This variant results in a copy number gain of the genomic region encompassing exon(s) 4-10 of the TSC2 gene. While the exact position of this variant cannot be determined from the data, sub-genic copy number gains are generally in tandem (PMID: 25640679). This variant is predicted to be in-frame, and likely preserves the integrity of the reading frame. A similar copy number variant has been observed in individual(s) with tuberous sclerosis complex (Invitae). In summary, the available evidence is currently insufficient to determine the role of this variant in disease. Therefore, it has been classified as a Variant of Uncertain Significance. Experimental studies and prediction algorithms are not available or were not evaluated, and the functional significance of this variant is currently unknown.

Literature cited by the submitters: PubMed 25640679.